The following is an entry in ClinVar:

NM_005732.4(RAD50):c.3358G>C (p.Asp1120His)

Gene: RAD50 (RAD50 double strand break repair protein; plus strand). Cytogenetic location: 5q31.1.
Variant type: single nucleotide variant.
Coding change: c.3358G>C on transcript NM_005732.4 (MANE Select); coding-DNA position 3358, G replaced by C.
Protein change: p.Asp1120His; replaces aspartic acid 1120 with histidine.
Molecular consequence: missense variant.
Genome position (GRCh38, 1-based): chr5:132,618,263, G>C. VCF-style: chr5-132618263-G-C. GRCh37 (hg19) VCF-style: chr5-131953955-G-C.
Other names: short protein forms D1120H.
Identifiers: ClinVar variation 457447 (VCV000457447.16), dbSNP rs764770735, ClinGen allele CA3405560.

ClinVar aggregate classification (germline): Uncertain significance. Review status: criteria provided, multiple submitters, no conflicts (2 of 4 stars). 3 submissions from 3 submitters: Uncertain significance (3). Last evaluated 2025-10-27.

Conditions:
Hereditary cancer-predisposing syndrome. Also called: Neoplastic Syndromes, Hereditary; Tumor predisposition; Hereditary Cancer Syndrome; Hereditary neoplastic syndrome. Identifiers: Orphanet 140162, MedGen C0027672, MeSH D009386, MONDO:0015356.

Allele frequency attached by ClinVar (database versions not stated): ExAC 0.00001; gnomAD 0.00001; gnomAD exomes 0.00001 and 0.00002.
gnomAD v4.1: 37 of 1,613,890 alleles (0.0023%); highest among the groups gnomAD compares: Non-Finnish European, 0.0031%; no homozygotes.

Submissions (3):

Labcorp Genetics (formerly Invitae), Labcorp
Classification: Uncertain significance for Hereditary cancer-predisposing syndrome. Last evaluated: 2025-10-27. Review status: criteria provided, single submitter. Criteria: Invitae Variant Classification Sherloc (09022015). Collection method: clinical testing. Allele origin: germline.
Comment: This sequence change replaces aspartic acid, which is acidic and polar, with histidine, which is basic and polar, at codon 1120 of the RAD50 protein (p.Asp1120His). This variant is present in population databases (rs764770735, gnomAD 0.002%). This missense change has been observed in individual(s) with breast cancer (PMID: 25503501). ClinVar contains an entry for this variant (Variation ID: 457447). Invitae Evidence Modeling of protein sequence and biophysical properties (such as structural, functional, and spatial information, amino acid conservation, physicochemical variation, residue mobility, and thermodynamic stability) indicates that this missense variant is expected to disrupt RAD50 protein function with a positive predictive value of 80%. In summary, the available evidence is currently insufficient to determine the role of this variant in disease. Therefore, it has been classified as a Variant of Uncertain Significance.

Ambry Genetics
Classification: Uncertain significance for Hereditary cancer-predisposing syndrome. Last evaluated: 2024-06-14. Review status: criteria provided, single submitter. Criteria: Ambry Variant Classification Scheme 2023. Collection method: clinical testing. Allele origin: germline.
Comment: The p.D1120H variant (also known as c.3358G>C), located in coding exon 21 of the RAD50 gene, results from a G to C substitution at nucleotide position 3358. The aspartic acid at codon 1120 is replaced by histidine, an amino acid with similar properties. This alteration was previously reported in at least one individual from a cohort of 278 BRCA1/2-negative individuals with early-onset breast cancer via multiplex panel testing of 22 cancer susceptibility genes. (Maxwell KN et al. Genet. Med., 2015 Aug;17:630-8). This amino acid position is highly conserved in available vertebrate species. In addition, this alteration is predicted to be deleterious by in silico analysis. Since supporting evidence is limited at this time, the clinical significance of this alteration remains unclear.

Quest Diagnostics Nichols Institute San Juan Capistrano
Classification: Uncertain significance. Last evaluated: 2024-03-05. Review status: criteria provided, single submitter. Criteria: Quest Diagnostics criteria. Collection method: clinical testing. Allele origin: unknown.
Comment: The RAD50 c.3358G>C (p.Asp1120His) variant has been reported in the published literature in an individual with early onset breast cancer (PMID: 25503501 (2015)). The frequency of this variant in the general population, 0.000012 (3/250312 chromosomes (Genome Aggregation Database)), is uninformative in the assessment of its pathogenicity. Analysis of this variant using bioinformatics tools for the prediction of the effect of amino acid changes on protein structure and function yielded conflicting predictions that this variant is benign or damaging. Based on the available information, we are unable to determine the clinical significance of this variant.

Literature cited by the submitters: PubMed 25503501 (cited by 3 submitters).